The following is an entry in ClinVar:

NM_020461.4(TUBGCP6):c.5119GAG[1] (p.Glu1708del)

Gene: TUBGCP6 (tubulin gamma complex component 6; minus strand). Cytogenetic location: 22q13.33.
Variant type: Microsatellite.
Coding change: c.5119GAG[1] on transcript NM_020461.4 (MANE Select); one copy of the 3-base unit GAG starting at c.5119; the reference has two copies in a row; one copy, 3 bases deleted.
Protein change: p.Glu1708del; deletes glutamic acid 1708.
Molecular consequence: inframe deletion.
Genome position (GRCh38, 1-based): chr22:50,218,233-50,218,235, CTC deleted on the plus strand (GAG on the coding strand, the reverse complement: TUBGCP6 is on the minus strand); deleting any 3 consecutive bases within chr22:50,218,233-50,218,239 gives the same sequence; the position shown is the placement nearest the transcript's 3' end. VCF-style (leftmost placement, unchanged base first): chr22-50218232-TCTC-T. GRCh37 (hg19) VCF-style: chr22-50656661-TCTC-T.
Other names: short protein forms E1708del.
Identifiers: ClinVar variation 1001485 (VCV001001485.8), dbSNP rs776613206, ClinGen allele CA10307179.

ClinVar aggregate classification (germline): Uncertain significance (1 of 4 stars; one submission).

Submission:

Labcorp Genetics (formerly Invitae), Labcorp
Classification: Uncertain significance. Last evaluated: 2025-03-31. Review status: criteria provided, single submitter. Criteria: Invitae Variant Classification Sherloc (09022015). Collection method: clinical testing. Allele origin: germline.
Comment: This variant, c.5122_5124del, results in the deletion of 1 amino acid(s) of the TUBGCP6 protein (p.Glu1708del), but otherwise preserves the integrity of the reading frame. This variant is present in population databases (rs776613206, gnomAD 0.003%). This variant has not been reported in the literature in individuals affected with TUBGCP6-related conditions. Experimental studies and prediction algorithms are not available or were not evaluated, and the functional significance of this variant is currently unknown. In summary, the available evidence is currently insufficient to determine the role of this variant in disease. Therefore, it has been classified as a Variant of Uncertain Significance.